The following is an entry in ClinVar:

NM_000051.4(ATM):c.1179_1180del (p.Trp393_Glu394delinsTer)

Gene: ATM (ATM serine/threonine kinase; plus strand). Cytogenetic location: 11q22.3.
Variant type: Deletion.
Coding change: c.1179_1180del on transcript NM_000051.4 (MANE Select); coding-DNA positions 1179 to 1180, 2 bases deleted (GG; older notation c.1179_1180delGG).
Protein change: p.Trp393_Glu394delinsTer.
Molecular consequence: nonsense.
Genome position (GRCh38, 1-based): chr11:108,249,046-108,249,047, GG deleted; deleting any 2 consecutive bases within chr11:108,249,045-108,249,047 gives the same sequence; the c. name uses the placement nearest the transcript's 3' end. VCF-style (leftmost placement, unchanged base first): chr11-108249044-TGG-T. GRCh37 (hg19) VCF-style: chr11-108119771-TGG-T.
Other names: c.1179_1180delGG (NM_000051.3); c.1179_1180del, p.Trp393_Glu394delinsTer (NM_001351834.2).
Identifiers: ClinVar variation 231937 (VCV000231937.24), dbSNP rs876659450, ClinGen allele CA10579000.

ClinVar aggregate classification (germline): Pathogenic. Review status: criteria provided, multiple submitters, no conflicts (2 of 4 stars). 10 submissions from 10 submitters: Pathogenic (9). 1 of the submissions does not count toward it. Last evaluated 2026-02-16.

Conditions:
Hereditary cancer-predisposing syndrome. Also called: Hereditary Cancer Syndrome; Neoplastic Syndromes, Hereditary; Tumor predisposition; Hereditary neoplastic syndrome. Identifiers: Orphanet 140162, MedGen C0027672, MeSH D009386, MONDO:0015356.
Familial cancer of breast. Also called: Hereditary breast cancer; hereditary breast carcinoma; BREAST CANCER, FAMILIAL. Identifiers: Orphanet 227535, MedGen C0346153, MONDO:0016419, OMIM 114480. Disease mechanism: loss of function.
Ataxia-telangiectasia syndrome (AT). Also called: Ataxia telangiectasia (A-T); Ataxia-telangiectasia, complementation group E; LOUIS-BAR SYNDROME; Cerebello-oculocutaneous telangiectasia; Immunodeficiency with ataxia telangiectasia; Ataxia-telangiectasia, complementation group D. Identifiers: Orphanet 100, MedGen C0004135, MONDO:0008840, OMIM 208900.

Submissions (10):

Institute of Human Genetics, University of Leipzig Medical Center
Classification: Pathogenic for Familial cancer of breast. Last evaluated: 2026-02-16. Review status: criteria provided, single submitter. Criteria: ACMG Guidelines, 2015. Collection method: clinical testing. Allele origin: unknown. Inheritance: Autosomal dominant inheritance. Affected: yes.
Comment: Criteria applied: PVS1,PM2_SUP,PM5_SUP

Labcorp Genetics (formerly Invitae), Labcorp
Classification: Pathogenic for Ataxia-telangiectasia syndrome. Last evaluated: 2025-12-15. Review status: criteria provided, single submitter. Criteria: Invitae Variant Classification Sherloc (09022015). Collection method: clinical testing. Allele origin: germline.
Comment: This sequence change creates a premature translational stop signal (p.Trp393*) in the ATM gene. It is expected to result in an absent or disrupted protein product. Loss-of-function variants in ATM are known to be pathogenic (PMID: 23807571, 25614872). This variant is not present in population databases (gnomAD no frequency). This premature translational stop signal has been observed in individual(s) with ataxia telangiectasia (PMID: 10330348, 10873394, 12552559). ClinVar contains an entry for this variant (Variation ID: 231937). For these reasons, this variant has been classified as Pathogenic.

Quest Diagnostics Nichols Institute San Juan Capistrano
Classification: Pathogenic. Last evaluated: 2025-03-12. Review status: criteria provided, single submitter. Criteria: Quest Diagnostics criteria. Collection method: clinical testing. Allele origin: unknown.
Comment: The ATM c.1179_1180del (p.Trp393*) variant causes the premature termination of ATM protein synthesis. This variant has been reported in the published literature in individuals with ataxia-telangiectasia (PMID: 10330348 (1999), 10873394 (2000), 12552559 (2003), 25614872 (2014)). This variant has not been reported in large, multi-ethnic general populations (Genome Aggregation Database). Based on the available information, this variant is classified as pathogenic.

Myriad Genetics, Inc.
Classification: Pathogenic for Familial cancer of breast. Last evaluated: 2024-01-12. Review status: criteria provided, single submitter. Criteria: Myriad Autosomal Dominant, Autosomal Recessive and X-Linked Classification Criteria (2023). Collection method: clinical testing. Allele origin: unknown.
Comment: This variant is considered pathogenic. This variant creates a termination codon and is predicted to result in premature protein truncation.

Baylor Genetics
Classification: Pathogenic for Familial cancer of breast. Last evaluated: 2023-08-21. Review status: criteria provided, single submitter. Criteria: ACMG Guidelines, 2015. Collection method: clinical testing. Allele origin: unknown.

Ambry Genetics
Classification: Pathogenic for Hereditary cancer-predisposing syndrome. Last evaluated: 2023-05-26. Review status: criteria provided, single submitter. Criteria: Ambry Variant Classification Scheme 2023. Collection method: clinical testing. Allele origin: germline.
Comment: The c.1179_1180delGG pathogenic mutation (also known as p.W393*), located in coding exon 8 of the ATM gene, results from a deletion of two nucleotides at nucleotide positions 1179 to 1180. This changes the amino acid from a tryptophan to a stop codon within coding exon 8. This mutation has been reported in conjunction with another ATM mutation in multiple individuals with ataxia telangiectasia (AT) (Teraoka SN et al. Am. J. Hum. Genet. 1999 Jun; 64(6):1617-31; Buzin CH et al. Hum. Mutat. 2003 Feb;21(2):123-31; Podralska MJ et al. Mol. Genet. Genomic Med. 2014 Nov;2(6):504-11). This variant is considered to be rare based on population cohorts in the Genome Aggregation Database (gnomAD). In addition to the clinical data presented in the literature, this alteration is expected to result in loss of function by premature protein truncation or nonsense-mediated mRNA decay. As such, this alteration is interpreted as a disease-causing mutation.

GeneDx
Classification: Pathogenic. Last evaluated: 2022-12-16. Review status: criteria provided, single submitter. Criteria: GeneDx Variant Classification Process June 2021. Collection method: clinical testing. Allele origin: germline. Affected: yes.
Comment: Nonsense variant predicted to result in protein truncation or nonsense mediated decay in a gene for which loss of function is a known mechanism of disease; Observed with another pathogenic ATM variant in individuals with ataxia-telangiectasia (Teraoka et al., 1999; Chun et al., 2002; Buzin et al., 2003; Podralska et al., 2014); Truncating variants in this gene are considered pathogenic by a well-established clinical consortium and/or database; Not observed at significant frequency in large population cohorts (gnomAD); This variant is associated with the following publications: (PMID: 25614872, 10330348, 16461462, 11857346, 12552559)

Color Diagnostics, LLC DBA Color Health
Classification: Pathogenic for Hereditary cancer-predisposing syndrome. Last evaluated: 2020-01-15. Review status: criteria provided, single submitter. Criteria: ACMG Guidelines, 2015. Collection method: clinical testing. Allele origin: germline.
Comment: This variant deletes 2 nucleotides in exon 9 of the ATM gene, creating a frameshift and premature translation stop signal. This variant is expected to result in an absent or non-functional protein product. This variant has not been identified in the general population by the Genome Aggregation Database (gnomAD). Loss of ATM function is a known mechanism of disease. Based on the available evidence, this variant is classified as Pathogenic.

Women's Health and Genetics/Laboratory Corporation of America, LabCorp
Classification: Pathogenic for Ataxia-telangiectasia syndrome. Last evaluated: 2016-01-20. Review status: criteria provided, single submitter. Criteria: LabCorp Variant Classification Summary - May 2015. Collection method: clinical testing. Allele origin: germline.

Natera, Inc.
Classification: Pathogenic for Ataxia-telangiectasia. Last evaluated: 2020-09-16. Review status: no assertion criteria provided. Collection method: clinical testing. Allele origin: germline. Not counted in ClinVar's aggregate classification.

Literature cited by the submitters: PubMed 23807571 (cited by Labcorp Genetics (formerly Invitae), Labcorp); PubMed 25614872 (cited by 3 submitters); PubMed 10330348 (cited by 3 submitters); PubMed 10873394 (cited by Labcorp Genetics (formerly Invitae), Labcorp and Women's Health and Genetics/Laboratory Corporation of America, LabCorp); PubMed 12552559 (cited by 3 submitters).